The following is an entry in ClinVar:

ClinVar aggregate classification (germline): Likely benign (0 of 4 stars; one submission).

Conditions:
EFR3A-related disorder. Also called: EFR3A-related condition.

Allele frequency attached by ClinVar (database versions not stated): 1000 Genomes Project 30x 0.00031.
gnomAD v4.1: 180 of 1,609,034 alleles (0.011%); highest among the groups gnomAD compares: Admixed American, 0.27%; no homozygotes.

Submission:

PreventionGenetics, part of Exact Sciences
Classification: Likely benign for EFR3A-related condition. Last evaluated: 2022-11-20. Review status: no assertion criteria provided. Collection method: clinical testing. Allele origin: germline.
Comment: This variant is classified as likely benign based on ACMG/AMP sequence variant interpretation guidelines (Richards et al. 2015 PMID: 25741868, with internal and published modifications).

NM_015137.6(EFR3A):c.641G>A (p.Arg214His)

Gene: EFR3A (EFR3 homolog A; plus strand). Cytogenetic location: 8q24.22.
Variant type: single nucleotide variant.
Coding change: c.641G>A on transcript NM_015137.6 (MANE Select); coding-DNA position 641, G replaced by A.
Protein change: p.Arg214His; replaces arginine 214 with histidine.
Molecular consequence: missense variant. On other transcripts: non-coding transcript variant (2).
Genome position (GRCh38, 1-based): chr8:131,955,770, G>A. VCF-style: chr8-131955770-G-A. GRCh37 (hg19) VCF-style: chr8-132968017-G-A.
Other names: c.533G>A, p.Arg178His (NM_001323553.2, NM_001323554.2, NM_001323555.2 and 2 more transcripts); c.641G>A, p.Arg214His (NM_001323558.2); short protein forms R178H, R214H.
Identifiers: ClinVar variation 3045553 (VCV003045553.2), dbSNP rs146871009, ClinGen allele CA4878833.
Genomic context (GRCh38, chr8:131,955,770, plus strand): 5'-TTTATTAGAACTGATATTAAAATTCTTGTGTTTTTCTTTATTTCTCGTTCCTTTTTAGTC[G>A]CATAGGCCCTCCTTCTTCTCCTTCTGCAACTGACAAAGAAGAGAATCCTGCTGTGCTGGC-3'
Protein context (NP_055952.2, residues 204-224): NMQKIEEVDS[Arg214His]IGPPSSPSAT